The following is an entry in ClinVar:

NM_000388.4(CASR):c.3086A>G (p.Glu1029Gly)

Gene: CASR (calcium sensing receptor; plus strand). Cytogenetic location: 3q21.1.
Variant type: single nucleotide variant.
Coding change: c.3086A>G on transcript NM_000388.4 (MANE Select); coding-DNA position 3086, A replaced by G.
Protein change: p.Glu1029Gly; replaces glutamic acid 1029 with glycine.
Molecular consequence: missense variant.
Genome position (GRCh38, 1-based): chr3:122,285,040, A>G. VCF-style: chr3-122285040-A-G. GRCh37 (hg19) VCF-style: chr3-122003887-A-G.
Other names: c.3116A>G, p.Glu1039Gly (NM_001178065.2); short protein forms E1029G, E1039G.
Identifiers: ClinVar variation 2928042 (VCV002928042.3), dbSNP rs2107651904, ClinGen allele CA354161407.

ClinVar aggregate classification (germline): Uncertain significance (1 of 4 stars; one submission).

Conditions:
Autosomal dominant hypocalcemia 1 (HYPOC1). Also called: HYPOCALCEMIA, FAMILIAL. Identifiers: MedGen C3715128, MONDO:0011013, OMIM 601198.
Familial hypocalciuric hypercalcemia (FHH). Also called: Familial benign hypercalcemia. Identifiers: Orphanet 405, MedGen C1809471, MONDO:0018458.

Allele frequency attached by ClinVar (database versions not stated): gnomAD exomes below 0.00001.
gnomAD v4.1: 1 of 1,614,200 alleles (0.000062%); highest among the groups gnomAD compares: Non-Finnish European, 0.000085%; no homozygotes.

Submission:

Labcorp Genetics (formerly Invitae), Labcorp
Classification: Uncertain significance for Familial hypocalciuric hypercalcemia; Autosomal dominant hypocalcemia 1. Last evaluated: 2024-09-29. Review status: criteria provided, single submitter. Criteria: Invitae Variant Classification Sherloc (09022015). Collection method: clinical testing. Allele origin: germline.
Comment: This sequence change replaces glutamic acid, which is acidic and polar, with glycine, which is neutral and non-polar, at codon 1029 of the CASR protein (p.Glu1029Gly). This variant is not present in population databases (gnomAD no frequency). This variant has not been reported in the literature in individuals affected with CASR-related conditions. An algorithm developed to predict the effect of missense changes on protein structure and function (PolyPhen-2) suggests that this variant is likely to be tolerated. In summary, the available evidence is currently insufficient to determine the role of this variant in disease. Therefore, it has been classified as a Variant of Uncertain Significance.